The following is an entry in ClinVar:

ClinVar aggregate classification (germline): Likely benign (1 of 4 stars; one submission).

Conditions:
Ehlers-Danlos syndrome, type 4 (EDSVASC). Also called: Ehlers-Danlos Syndrome Type IV; Ehlers-Danlos syndrome vascular type; Ehlers Danlos syndrome, ecchymotic type; Ehlers Danlos syndrome, arterial type; Ehlers Danlos syndrome, Sack-Barabas type. Identifiers: Orphanet 286, MedGen C0268338, MONDO:0017314, OMIM 130050.

Submission:

All of Us Research Program, National Institutes of Health
Classification: Likely benign for Ehlers-Danlos syndrome, type 4. Last evaluated: 2023-10-27. Review status: criteria provided, single submitter. Criteria: ACMG Guidelines, 2015. Collection method: clinical testing. Allele origin: germline. Inheritance: Autosomal dominant inheritance. Observed: 1 variant allele, 1 heterozygote.
Comment: This study involves interpretation of variants in research participants for the purpose of population health screening. Participant phenotype was not available at the time of variant classification. Additional details can be found in publication PMID: 35346344, PMCID: PMC8962531

NM_000090.4(COL3A1):c.963T>G (p.Gly321=)

Gene: COL3A1 (collagen type III alpha 1 chain; plus strand). Cytogenetic location: 2q32.2.
Variant type: single nucleotide variant.
Coding change: c.963T>G on transcript NM_000090.4 (MANE Select); coding-DNA position 963, T replaced by G.
Protein change: p.Gly321=; no amino-acid change (glycine 321 retained).
Molecular consequence: synonymous variant.
Genome position (GRCh38, 1-based): chr2:188,992,195, T>G. VCF-style: chr2-188992195-T-G. GRCh37 (hg19) VCF-style: chr2-189856921-T-G.
Identifiers: ClinVar variation 3074171 (VCV003074171.1), dbSNP rs771292385, ClinGen allele CA430309248.